The following is an entry in ClinVar:

ClinVar aggregate classification (germline): Uncertain significance (1 of 4 stars; one submission).

Conditions:
Rubinstein-Taybi syndrome (RSTS). Identifiers: Orphanet 783, MedGen C0035934, MONDO:0019188.

gnomAD v4.1: 1 of 1,614,096 alleles (0.000062%); highest among the groups gnomAD compares: Non-Finnish European, 0.000085%; no homozygotes.

Submission:

Labcorp Genetics (formerly Invitae), Labcorp
Classification: Uncertain significance for Rubinstein-Taybi syndrome. Last evaluated: 2022-10-25. Review status: criteria provided, single submitter. Criteria: Invitae Variant Classification Sherloc (09022015). Collection method: clinical testing. Allele origin: germline.
Comment: In summary, the available evidence is currently insufficient to determine the role of this variant in disease. Therefore, it has been classified as a Variant of Uncertain Significance. Advanced modeling of protein sequence and biophysical properties (such as structural, functional, and spatial information, amino acid conservation, physicochemical variation, residue mobility, and thermodynamic stability) performed at Invitae indicates that this missense variant is expected to disrupt CREBBP protein function. This variant has not been reported in the literature in individuals affected with CREBBP-related conditions. This variant is not present in population databases (gnomAD no frequency). This sequence change replaces arginine, which is basic and polar, with leucine, which is neutral and non-polar, at codon 378 of the CREBBP protein (p.Arg378Leu).

NM_004380.3(CREBBP):c.1133G>T (p.Arg378Leu)

Gene: CREBBP (CREB binding lysine acetyltransferase; minus strand). Cytogenetic location: 16p13.3.
Variant type: single nucleotide variant.
Coding change: c.1133G>T on transcript NM_004380.3 (MANE Select); coding-DNA position 1133, G replaced by T.
Protein change: p.Arg378Leu; replaces arginine 378 with leucine.
Molecular consequence: missense variant.
Genome position (GRCh38, 1-based): chr16:3,793,469, C>A on the plus strand (G>T on the coding strand, the complement: CREBBP is on the minus strand). VCF-style: chr16-3793469-C-A. GRCh37 (hg19) VCF-style: chr16-3843470-C-A.
Other names: c.1133G>T, p.Arg378Leu (NM_001079846.1); short protein forms R378L.
Identifiers: ClinVar variation 1719885 (VCV001719885.5), dbSNP rs781492264, ClinGen allele CA394562832.